The following is an entry in ClinVar:

NM_000368.5(TSC1):c.3060C>T (p.Thr1020=)

Gene: TSC1 (TSC complex subunit 1; minus strand). Cytogenetic location: 9q34.13.
Variant type: single nucleotide variant.
Coding change: c.3060C>T on transcript NM_000368.5 (MANE Select); coding-DNA position 3060, C replaced by T.
Protein change: p.Thr1020=; no amino-acid change (threonine 1020 retained).
Molecular consequence: synonymous variant.
Genome position (GRCh38, 1-based): chr9:132,896,670, G>A on the plus strand (C>T on the coding strand, the complement: TSC1 is on the minus strand). VCF-style: chr9-132896670-G-A. GRCh37 (hg19) VCF-style: chr9-135772057-G-A.
Other names: c.3057C>T, p.Thr1019= (NM_001162426.2); c.2907C>T, p.Thr969= (NM_001162427.2); c.2697C>T, p.Thr899= (NM_001362177.2).
Identifiers: ClinVar variation 466115 (VCV000466115.20), dbSNP rs1380396209, ClinGen allele CA467813020.

ClinVar aggregate classification (germline): Benign/Likely benign. Review status: criteria provided, multiple submitters, no conflicts (2 of 4 stars). 7 submissions from 7 submitters: Benign (2); Likely benign (5). Last evaluated 2025-04-29.

Conditions:
Hereditary cancer-predisposing syndrome. Also called: Hereditary neoplastic syndrome; Neoplastic Syndromes, Hereditary; Hereditary Cancer Syndrome; Tumor predisposition. Identifiers: Orphanet 140162, MedGen C0027672, MeSH D009386, MONDO:0015356.
Tuberous sclerosis 1 (TSC1). Identifiers: Orphanet 805, MedGen C1854465, MONDO:0008612, OMIM 191100.
Tuberous sclerosis syndrome (TSC). Also called: Tuberous Sclerosis Complex; Tuberous sclerosis. Identifiers: Orphanet 805, MedGen C0041341, MONDO:0001734.

Submissions (7):

Myriad Genetics, Inc.
Classification: Benign for Tuberous sclerosis 1. Last evaluated: 2025-04-29. Review status: criteria provided, single submitter. Criteria: Myriad Autosomal Dominant, Autosomal Recessive and X-Linked Classification Criteria (2023). Collection method: clinical testing. Allele origin: unknown.
Comment: This variant is considered benign. This variant is a silent/synonymous amino acid change and it is not expected to impact splicing.

Labcorp Genetics (formerly Invitae), Labcorp
Classification: Likely benign for Tuberous sclerosis 1. Last evaluated: 2024-08-13. Review status: criteria provided, single submitter. Criteria: Invitae Variant Classification Sherloc (09022015). Collection method: clinical testing. Allele origin: germline.

All of Us Research Program, National Institutes of Health
Classification: Likely benign for Tuberous sclerosis syndrome. Last evaluated: 2024-03-24. Review status: criteria provided, single submitter. Criteria: ACMG Guidelines, 2015. Collection method: clinical testing. Allele origin: germline. Inheritance: Autosomal dominant inheritance. Observed: 1 variant allele, 1 heterozygote.
Comment: This study involves interpretation of variants in research participants for the purpose of population health screening. Participant phenotype was not available at the time of variant classification. Additional details can be found in publication PMID: 35346344, PMCID: PMC8962531

Blueprint Genetics
Classification: Likely benign. Last evaluated: 2022-02-28. Review status: criteria provided, single submitter. Criteria: ACMG Guidelines, 2015. Collection method: clinical testing. Allele origin: germline.

Genome-Nilou Lab
Classification: Benign for Tuberous sclerosis 1. Last evaluated: 2021-11-07. Review status: criteria provided, single submitter. Criteria: ACMG Guidelines, 2015. Collection method: clinical testing. Allele origin: germline. Affected: no.

GeneDx
Classification: Likely benign. Last evaluated: 2021-06-24. Review status: criteria provided, single submitter. Criteria: GeneDx Variant Classification Process June 2021. Collection method: clinical testing. Allele origin: germline. Affected: yes.

Ambry Genetics
Classification: Likely benign for Hereditary cancer-predisposing syndrome. Last evaluated: 2021-04-02. Review status: criteria provided, single submitter. Criteria: Ambry Variant Classification Scheme 2023. Collection method: clinical testing. Allele origin: germline.